The following is an entry in ClinVar:

NM_001375524.1(TRRAP):c.2903A>G (p.Lys968Arg)

Gene: TRRAP (transformation/transcription domain associated protein; plus strand). Cytogenetic location: 7q22.1.
Variant type: single nucleotide variant.
Coding change: c.2903A>G on transcript NM_001375524.1 (MANE Select); coding-DNA position 2903, A replaced by G.
Protein change: p.Lys968Arg; replaces lysine 968 with arginine.
Molecular consequence: missense variant.
Genome position (GRCh38, 1-based): chr7:98,925,191, A>G. VCF-style: chr7-98925191-A-G. GRCh37 (hg19) VCF-style: chr7-98522814-A-G.
Other names: c.2903A>G, p.Lys968Arg (NM_001244580.2, NM_003496.4); short protein forms K968R.
Identifiers: ClinVar variation 2269820 (VCV002269820.5), dbSNP rs148895570, ClinGen allele CA4359872.
Genomic context (GRCh38, chr7:98,925,191, plus strand): 5'-ACTGCCTGAAAAGCGCCAACACTGAGCCCTACTACCGGAGGCAGGCGTGGGAAGTGATCA[A>G]ATGCTTCCTGGTGGCCATGATGAGCCTGGAGGACAACAAGCACGCACTCTACCAGCTCCT-3'
Protein context (NP_001362453.1, residues 958-978): YYRRQAWEVI[Lys968Arg]CFLVAMMSLE

ClinVar aggregate classification (germline): Conflicting classifications of pathogenicity. Review status: criteria provided, conflicting classifications (1 of 4 stars). 2 submissions from 2 submitters: Uncertain significance (1); Likely benign (1). Last evaluated 2025-11-29.

Conditions:
Inborn genetic diseases. Identifiers: MedGen C0950123, MeSH D030342.

Allele frequency attached by ClinVar (database versions not stated): gnomAD 0.00007; TOPMed 0.00008; ExAC 0.00012; ESP Exome Variant Server 0.00015.
gnomAD v4.1: 136 of 1,614,048 alleles (0.0084%); highest among the groups gnomAD compares: East Asian, 0.025%; no homozygotes.

Submissions (2):

Labcorp Genetics (formerly Invitae), Labcorp
Classification: Uncertain significance. Last evaluated: 2025-11-29. Review status: criteria provided, single submitter. Criteria: Invitae Variant Classification Sherloc (09022015). Collection method: clinical testing. Allele origin: germline.
Comment: This sequence change replaces lysine, which is basic and polar, with arginine, which is basic and polar, at codon 968 of the TRRAP protein (p.Lys968Arg). This variant is present in population databases (rs148895570, gnomAD 0.04%), and has an allele count higher than expected for a pathogenic variant. This variant has not been reported in the literature in individuals affected with TRRAP-related conditions. ClinVar contains an entry for this variant (Variation ID: 2269820). Invitae Evidence Modeling of protein sequence and biophysical properties (such as structural, functional, and spatial information, amino acid conservation, physicochemical variation, residue mobility, and thermodynamic stability) indicates that this missense variant is not expected to disrupt TRRAP protein function with a negative predictive value of 80%. In summary, the available evidence is currently insufficient to determine the role of this variant in disease. Therefore, it has been classified as a Variant of Uncertain Significance.

Ambry Genetics
Classification: Likely benign for Inborn genetic diseases. Last evaluated: 2022-01-04. Review status: criteria provided, single submitter. Criteria: Ambry Variant Classification Scheme 2023. Collection method: clinical testing. Allele origin: germline.